The following is an entry in ClinVar:

NM_015272.5(RPGRIP1L):c.3701+90G>A

Gene: RPGRIP1L (RPGRIP1 like; minus strand). Cytogenetic location: 16q12.2.
Variant type: single nucleotide variant.
Coding change: c.3701+90G>A on transcript NM_015272.5 (MANE Select); 90 bases into the intron after coding-DNA position 3701, G replaced by A.
Molecular consequence: intron variant.
Genome position (GRCh38, 1-based): chr16:53,610,877, C>T on the plus strand (G>A on the coding strand, the complement: RPGRIP1L is on the minus strand). VCF-style: chr16-53610877-C-T. GRCh37 (hg19) VCF-style: chr16-53644789-C-T.
Other names: c.3461+90G>A (NM_001127897.4); c.3599+90G>A (NM_001330538.2); c.3563+90G>A (NM_001308334.3).
Identifiers: ClinVar variation 675464 (VCV000675464.2), dbSNP rs147132440, ClinGen allele CA281352693.

ClinVar aggregate classification (germline): Likely benign. Review status: criteria provided, multiple submitters, no conflicts (2 of 4 stars). 2 submissions from 2 submitters: Likely benign (2). Last evaluated 2018-06-19.

Allele frequency attached by ClinVar (database versions not stated): 1000 Genomes Project 0.00919; 1000 Genomes Project 30x 0.00953; TOPMed 0.01567; gnomAD 0.01812 and 0.01848; gnomAD exomes 0.02268.
gnomAD v4.1: 23,073 of 1,051,270 alleles (2.2%); highest among the groups gnomAD compares: Non-Finnish European, 2.6%; 341 homozygotes.

Submissions (2):

GeneDx
Classification: Likely benign. Last evaluated: 2018-06-19. Review status: criteria provided, single submitter. Criteria: GeneDx Variant Classification (06012015). Collection method: clinical testing. Allele origin: germline. Affected: yes.
Comment: This variant is considered likely benign or benign based on one or more of the following criteria: it is a conservative change, it occurs at a poorly conserved position in the protein, it is predicted to be benign by multiple in silico algorithms, and/or has population frequency not consistent with disease.

Breakthrough Genomics
Classification: Likely benign. Review status: criteria provided, single submitter. Criteria: ACMG Guidelines, 2015. Collection method: not provided. Allele origin: germline. Inheritance: Autosomal recessive inheritance. Affected: yes.